The following is an entry in ClinVar:

NC_000023.10:g.(?_76937002)_(76972730_?)dup

Gene: ATRX (ATRX chromatin remodeler; minus strand). Cytogenetic location: Xq21.1.
Variant type: Duplication.
Identifiers: ClinVar variation 2423153 (VCV002423153.6).

ClinVar aggregate classification (germline): Likely pathogenic (1 of 4 stars; one submission).

Conditions:
Alpha thalassemia-X-linked intellectual disability syndrome (ATRX). Also called: ALPHA-THALASSEMIA/MENTAL RETARDATION SYNDROME, X-LINKED; ATR, NONDELETION TYPE; ATR-X syndrome; Alpha thalassemia mental retardation syndrome, nondeletion type, X-linked; XLMR hypotonic face syndrome; X-linked alpha-thalassemia-mental retardation syndrome. Identifiers: Orphanet 847, MedGen C1845055, MONDO:0010519, OMIM 301040.

Submission:

Labcorp Genetics (formerly Invitae), Labcorp
Classification: Likely pathogenic for Alpha thalassemia-X-linked intellectual disability syndrome. Last evaluated: 2022-03-23. Review status: criteria provided, single submitter. Criteria: Invitae Variant Classification Sherloc (09022015). Collection method: clinical testing. Allele origin: germline.
Comment: This variant has not been reported in the literature in individuals affected with ATRX-related conditions. In summary, the currently available evidence indicates that the variant is pathogenic, but additional data are needed to prove that conclusively. Therefore, this variant has been classified as Likely Pathogenic. This variant results in a copy number gain of the genomic region encompassing exon(s) 2-9 of the ATRX gene. While the exact position of this variant cannot be determined from the data, sub-genic copy number gains are generally in tandem (PMID: 25640679). This variant is predicted to be out-of-frame, and may result in an absent or disrupted protein product. Loss-of-function variants in ATRX are known to be pathogenic (PMID: 15591283, 18409179, 23681356).

Literature cited by the submitters: PubMed 25640679; PubMed 15591283; PubMed 18409179; PubMed 23681356.